The following is an entry in ClinVar:

ClinVar aggregate classification (germline): Uncertain significance. Review status: criteria provided, multiple submitters, no conflicts (2 of 4 stars). 3 submissions from 3 submitters: Uncertain significance (3). Last evaluated 2023-06-01.

Conditions:
Congenital sensory neuropathy with selective loss of small myelinated fibers (HSAN5). Also called: HSAN Type V. Identifiers: Orphanet 64752, MedGen C0020075, MONDO:0012092, OMIM 608654.

Allele frequency attached by ClinVar (database versions not stated): gnomAD exomes below 0.00001.
gnomAD v4.1: 3 of 1,613,976 alleles (0.00019%); highest among the groups gnomAD compares: Non-Finnish European, 0.00025%; no homozygotes.

Submissions (3):

CeGaT Center for Human Genetics Tuebingen
Classification: Uncertain significance. Last evaluated: 2023-06-01. Review status: criteria provided, single submitter. Criteria: CeGaT Center For Human Genetics Tuebingen Variant Classification Criteria Version 2. Collection method: clinical testing. Allele origin: germline. Affected: yes. Observed: 1 variant allele.
Comment: NGF: PM2

Genome-Nilou Lab
Classification: Uncertain significance for Congenital sensory neuropathy with selective loss of small myelinated fibers. Last evaluated: 2023-04-11. Review status: criteria provided, single submitter. Criteria: ACMG Guidelines, 2015. Collection method: clinical testing. Allele origin: germline. Affected: no.

Labcorp Genetics (formerly Invitae), Labcorp
Classification: Uncertain significance for Congenital sensory neuropathy with selective loss of small myelinated fibers. Last evaluated: 2022-10-18. Review status: criteria provided, single submitter. Criteria: Invitae Variant Classification Sherloc (09022015). Collection method: clinical testing. Allele origin: germline.
Comment: This sequence change replaces serine, which is neutral and polar, with glycine, which is neutral and non-polar, at codon 138 of the NGF protein (p.Ser138Gly). This variant is not present in population databases (gnomAD no frequency). This variant has not been reported in the literature in individuals affected with NGF-related conditions. ClinVar contains an entry for this variant (Variation ID: 1484755). Advanced modeling of protein sequence and biophysical properties (such as structural, functional, and spatial information, amino acid conservation, physicochemical variation, residue mobility, and thermodynamic stability) performed at Invitae indicates that this missense variant is expected to disrupt NGF protein function. In summary, the available evidence is currently insufficient to determine the role of this variant in disease. Therefore, it has been classified as a Variant of Uncertain Significance.

NM_002506.3(NGF):c.412A>G (p.Ser138Gly)

Genes: NGF (nerve growth factor; minus strand), NGF-AS1 (NGF antisense RNA 1; plus strand). Cytogenetic location: 1p13.2.
Variant type: single nucleotide variant.
Coding change: c.412A>G on transcript NM_002506.3 (MANE Select); coding-DNA position 412, A replaced by G.
Protein change: p.Ser138Gly; replaces serine 138 with glycine.
Molecular consequence: missense variant.
Genome position (GRCh38, 1-based): chr1:115,286,384, T>C on the plus strand (A>G on the coding strand, the complement: NGF is on the minus strand). VCF-style: chr1-115286384-T-C. GRCh37 (hg19) VCF-style: chr1-115829005-T-C.
Other names: short protein forms S138G.
Identifiers: ClinVar variation 1484755 (VCV001484755.36), dbSNP rs2101018808, ClinGen allele CA341836608.
Genomic context (GRCh38, chr1:115,286,384, plus strand): 5'-TCACCTCCTTGCCCTTGATGTCTGTGGCGGTGGTCTTATCCCCAACCCACACGCTGACAC[T>C]GTCACACACCGAGAATTCGCCCCTGTGGAAGATGGGATGGGATGATGACCGCTTGCTCCT-3'
Protein context (NP_002497.2, residues 128-148): FHRGEFSVCD[Ser138Gly]VSVWVGDKTT